The following is an entry in ClinVar:

ClinVar aggregate classification (germline): Conflicting classifications of pathogenicity. Review status: criteria provided, conflicting classifications (1 of 4 stars). 5 submissions from 5 submitters: Uncertain significance (4); Likely benign (1). Last evaluated 2025-12-08.

Conditions:
Familial adenomatous polyposis 1 (FAP1). Also called: FAMILIAL ADENOMATOUS POLYPOSIS 1, ATTENUATED; POLYPOSIS, ADENOMATOUS INTESTINAL. Identifiers: MedGen C2713442, MONDO:0021056, OMIM 175100. Disease mechanism: loss of function.
Gastric adenocarcinoma and proximal polyposis of the stomach (GAPPS). Also called: POLYPOSIS, GASTRIC; Gastric Adenocarcinoma and Proximal Polyposis of the Stomach (GAPPS); Polyposis, gastric, Dos Santos and de Magalhaes 1980. Identifiers: Orphanet 314022, MedGen C4749917, MONDO:0017790, OMIM 619182.
Desmoid disease, hereditary (DESMD). Also called: FIBROMATOSIS, FAMILIAL INFILTRATIVE. Identifiers: Orphanet 873, MedGen C1851124, OMIM 135290. Disease mechanism: loss of function.
Hepatocellular carcinoma (HCC). Also called: Primary carcinoma of liver; HEPATOMA; LIVER CELL CARCINOMA. Identifiers: Orphanet 88673, MedGen C2239176, MONDO:0007256, OMIM 114550, HP:0001402.
Gastric cancer. Also called: Malignant tumor of stomach; Stomach cancer. Identifiers: MedGen C0024623, MeSH D013274, MONDO:0001056, OMIM 613659, HP:0012126.
Colorectal cancer. Also called: Malignant Colorectal Neoplasm; Colorectal cancer, somatic. Identifiers: MedGen C0346629, MONDO:0005575, OMIM 114500.
Hereditary cancer-predisposing syndrome. Also called: Neoplastic Syndromes, Hereditary; Hereditary Cancer Syndrome; Hereditary neoplastic syndrome; Tumor predisposition. Identifiers: Orphanet 140162, MedGen C0027672, MeSH D009386, MONDO:0015356.

Allele frequency attached by ClinVar (database versions not stated): gnomAD exomes 0.00001 and 0.00002; TOPMed 0.00001; ExAC 0.00004.
gnomAD v4.1: 8 of 1,614,064 alleles (0.0005%); highest among the groups gnomAD compares: Non-Finnish European, 0.00051%; no homozygotes.

Submissions (5):

Labcorp Genetics (formerly Invitae), Labcorp
Classification: Uncertain significance for Familial adenomatous polyposis 1. Last evaluated: 2025-12-08. Review status: criteria provided, single submitter. Criteria: Invitae Variant Classification Sherloc (09022015). Collection method: clinical testing. Allele origin: germline.
Comment: This sequence change replaces glutamic acid, which is acidic and polar, with lysine, which is basic and polar, at codon 422 of the APC protein (p.Glu422Lys). This variant is present in population databases (rs755069015, gnomAD 0.004%). This variant has not been reported in the literature in individuals affected with APC-related conditions. ClinVar contains an entry for this variant (Variation ID: 411392). Invitae Evidence Modeling of protein sequence and biophysical properties (such as structural, functional, and spatial information, amino acid conservation, physicochemical variation, residue mobility, and thermodynamic stability) indicates that this missense variant is not expected to disrupt APC protein function with a negative predictive value of 95%. In summary, the available evidence is currently insufficient to determine the role of this variant in disease. Therefore, it has been classified as a Variant of Uncertain Significance.

Baylor Genetics
Classification: Uncertain significance for Familial adenomatous polyposis 1. Last evaluated: 2024-03-13. Review status: criteria provided, single submitter. Criteria: ACMG Guidelines, 2015. Collection method: clinical testing. Allele origin: unknown.

Fulgent Genetics
Classification: Uncertain significance for Colorectal cancer; Hepatocellular carcinoma; Desmoid disease, hereditary; Familial adenomatous polyposis 1; Gastric cancer; Gastric adenocarcinoma and proximal polyposis of the stomach. Last evaluated: 2024-01-11. Review status: criteria provided, single submitter. Criteria: ACMG Guidelines, 2015. Collection method: clinical testing. Allele origin: germline.

Color Diagnostics, LLC DBA Color Health
Classification: Uncertain significance for Hereditary cancer-predisposing syndrome. Last evaluated: 2023-11-13. Review status: criteria provided, single submitter. Criteria: ACMG Guidelines, 2015. Collection method: clinical testing. Allele origin: germline.
Comment: This missense variant replaces glutamic acid with lysine at codon 422 of the APC protein. Computational prediction is inconclusive regarding the impact of this variant on protein structure and function (internally defined REVEL score threshold 0.5 < inconclusive < 0.7, PMID: 27666373). To our knowledge, functional studies have not been reported for this variant. This variant has not been reported in individuals affected with APC-related disorders in the literature. This variant has been identified in 6/250676 chromosomes in the general population by the Genome Aggregation Database (gnomAD). The available evidence is insufficient to determine the role of this variant in disease conclusively. Therefore, this variant is classified as a Variant of Uncertain Significance.

Ambry Genetics
Classification: Likely benign for Hereditary cancer-predisposing syndrome. Last evaluated: 2021-12-10. Review status: criteria provided, single submitter. Criteria: Ambry Variant Classification Scheme 2023. Collection method: clinical testing. Allele origin: germline.

NM_000038.6(APC):c.1264G>A (p.Glu422Lys)

Gene: APC (APC regulator of Wnt signaling pathway; plus strand). Cytogenetic location: 5q22.2.
Variant type: single nucleotide variant.
Coding change: c.1264G>A on transcript NM_000038.6 (MANE Select); coding-DNA position 1264, G replaced by A.
Protein change: p.Glu422Lys; replaces glutamic acid 422 with lysine.
Molecular consequence: missense variant.
Genome position (GRCh38, 1-based): chr5:112,819,296, G>A. VCF-style: chr5-112819296-G-A. GRCh37 (hg19) VCF-style: chr5-112154993-G-A.
Other names: c.1264G>A, p.Glu422Lys (NM_001127510.3, NM_001354895.2, NM_001354896.2); c.1210G>A, p.Glu404Lys (NM_001127511.3); c.1294G>A, p.Glu432Lys (NM_001354897.2); c.1189G>A, p.Glu397Lys (NM_001354898.2); c.1180G>A, p.Glu394Lys (NM_001354899.2); c.1087G>A, p.Glu363Lys (NM_001354900.2, NM_001354901.2); c.991G>A, p.Glu331Lys (NM_001354902.2); c.961G>A, p.Glu321Lys (NM_001354903.2); and 3 more; short protein forms E422K, E404K, E262K, E296K, E321K, E363K, E394K, E139K.
Identifiers: ClinVar variation 411392 (VCV000411392.17), dbSNP rs755069015, ClinGen allele CA026951.